The following is an entry in ClinVar:

NM_004523.4(KIF11):c.1894C>A (p.Leu632Ile)

Gene: KIF11 (kinesin family member 11; plus strand). Cytogenetic location: 10q23.33.
Variant type: single nucleotide variant.
Coding change: c.1894C>A on transcript NM_004523.4 (MANE Select); coding-DNA position 1894, C replaced by A.
Protein change: p.Leu632Ile; replaces leucine 632 with isoleucine.
Molecular consequence: missense variant.
Genome position (GRCh38, 1-based): chr10:92,637,202, C>A. VCF-style: chr10-92637202-C-A. GRCh37 (hg19) VCF-style: chr10-94396959-C-A.
Other names: short protein forms L632I.
Identifiers: ClinVar variation 3685673 (VCV003685673.2).

ClinVar aggregate classification (germline): Uncertain significance (1 of 4 stars; one submission).

gnomAD v4.1: 4 of 1,585,224 alleles (0.00025%); highest among the groups gnomAD compares: Non-Finnish European, 0.00034%; no homozygotes.

Submission:

Labcorp Genetics (formerly Invitae), Labcorp
Classification: Uncertain significance. Last evaluated: 2025-05-27. Review status: criteria provided, single submitter. Criteria: Invitae Variant Classification Sherloc (09022015). Collection method: clinical testing. Allele origin: germline.
Comment: This sequence change replaces leucine, which is neutral and non-polar, with isoleucine, which is neutral and non-polar, at codon 632 of the KIF11 protein (p.Leu632Ile). This variant is not present in population databases (gnomAD no frequency). This variant has not been reported in the literature in individuals affected with KIF11-related conditions. ClinVar contains an entry for this variant (Variation ID: 3685673). Invitae Evidence Modeling of protein sequence and biophysical properties (such as structural, functional, and spatial information, amino acid conservation, physicochemical variation, residue mobility, and thermodynamic stability) indicates that this missense variant is not expected to disrupt KIF11 protein function with a negative predictive value of 95%. In summary, the available evidence is currently insufficient to determine the role of this variant in disease. Therefore, it has been classified as a Variant of Uncertain Significance.